The following is an entry in ClinVar:

NM_004369.4(COL6A3):c.3373G>A (p.Gly1125Arg)

Gene: COL6A3 (collagen type VI alpha 3 chain; minus strand). Cytogenetic location: 2q37.3.
Variant type: single nucleotide variant.
Coding change: c.3373G>A on transcript NM_004369.4 (MANE Select); coding-DNA position 3373, G replaced by A.
Protein change: p.Gly1125Arg; replaces glycine 1125 with arginine.
Molecular consequence: missense variant.
Genome position (GRCh38, 1-based): chr2:237,374,718, C>T on the plus strand (G>A on the coding strand, the complement: COL6A3 is on the minus strand). VCF-style: chr2-237374718-C-T. GRCh37 (hg19) VCF-style: chr2-238283361-C-T.
Other names: c.2152G>A, p.Gly718Arg (NM_057164.5); c.2755G>A, p.Gly919Arg (NM_057165.5, NM_057167.4); c.1552G>A, p.Gly518Arg (NM_057166.5); short protein forms G1125R, G919R, G718R, G518R.
Identifiers: ClinVar variation 1517125 (VCV001517125.6), dbSNP rs2106361269, ClinGen allele CA351203340.

ClinVar aggregate classification (germline): Uncertain significance (1 of 4 stars; one submission).

Conditions:
Bethlem myopathy 1A. Also called: MYOPATHY, BENIGN CONGENITAL, WITH CONTRACTURES; Bethlem myopathy 1; Bethlem Muscular Dystrophy. Identifiers: Orphanet 610, MedGen CN029274, MONDO:0024530, OMIM 158810.

Submission:

Labcorp Genetics (formerly Invitae), Labcorp
Classification: Uncertain significance for Bethlem myopathy 1A. Last evaluated: 2022-07-05. Review status: criteria provided, single submitter. Criteria: Invitae Variant Classification Sherloc (09022015). Collection method: clinical testing. Allele origin: germline.
Comment: In summary, the available evidence is currently insufficient to determine the role of this variant in disease. Therefore, it has been classified as a Variant of Uncertain Significance. Advanced modeling of protein sequence and biophysical properties (such as structural, functional, and spatial information, amino acid conservation, physicochemical variation, residue mobility, and thermodynamic stability) performed at Invitae indicates that this missense variant is expected to disrupt COL6A3 protein function. ClinVar contains an entry for this variant (Variation ID: 1517125). This variant has not been reported in the literature in individuals affected with COL6A3-related conditions. This variant is not present in population databases (gnomAD no frequency). This sequence change replaces glycine, which is neutral and non-polar, with arginine, which is basic and polar, at codon 1125 of the COL6A3 protein (p.Gly1125Arg).